The following is an entry in ClinVar:

NM_001122955.4(BSCL2):c.1090_1091inv (p.Glu364Ser)

Genes: BSCL2 (BSCL2 lipid droplet biogenesis associated, seipin; minus strand), HNRNPUL2-BSCL2 (HNRNPUL2-BSCL2 readthrough (NMD candidate); minus strand). Cytogenetic location: 11q12.3.
Variant type: Inversion.
Coding change: c.1090_1091inv on transcript NM_001122955.4 (MANE Select).
Protein change: p.Glu364Ser; replaces glutamic acid 364 with serine.
Molecular consequence: missense variant. On other transcripts: non-coding transcript variant (1).
Genome position: GRCh38 VCF-style: chr11-62690849-TC-GA. GRCh37 (hg19) VCF-style: chr11-62458321-TC-GA.
Other names: c.756_757inv, p.Arg252_Ser253delinsSerArg (NM_001130702.2); c.1096_1097inv, p.Glu366Ser (NM_001386027.1); c.1090_1091inv, p.Glu364Ser (NM_001386028.1); c.898_899inv, p.Glu300Ser (NM_032667.6); short protein forms E300S, E364S, E366S.
Identifiers: ClinVar variation 2754329 (VCV002754329.3), ClinGen allele CA2697548606.

ClinVar aggregate classification (germline): Uncertain significance (1 of 4 stars; one submission).

Conditions:
Charcot-Marie-Tooth disease type 2. Also called: Charcot-Marie-Tooth type 2. Identifiers: Orphanet 64746, MedGen C0270914, MONDO:0018993.

Submission:

Labcorp Genetics (formerly Invitae), Labcorp
Classification: Uncertain significance for Charcot-Marie-Tooth disease type 2. Last evaluated: 2023-10-17. Review status: criteria provided, single submitter. Criteria: Invitae Variant Classification Sherloc (09022015). Collection method: clinical testing. Allele origin: germline.
Comment: This variant, c.898_899delinsTC, is a complex sequence change that results in the substitution of 1 amino acid(s) in the BSCL2 protein (p.Glu300Ser). Information on the frequency of this variant in the gnomAD database is not available, as this variant may be reported differently in the database. This variant has not been reported in the literature in individuals affected with BSCL2-related conditions. An algorithm developed to predict the effect of missense changes on protein structure and function (PolyPhen-2) suggests that this variant is likely to be tolerated. In summary, the available evidence is currently insufficient to determine the role of this variant in disease. Therefore, it has been classified as a Variant of Uncertain Significance.